The following is an entry in ClinVar:

NM_001164508.2(NEB):c.22695+2T>C

Genes: NEB (nebulin; minus strand), RIF1 (replication timing regulatory factor 1; plus strand). Cytogenetic location: 2q23.3.
Variant type: single nucleotide variant.
Coding change: c.22695+2T>C on transcript NM_001164508.2 (MANE Select); the canonical splice donor site of the intron after coding-DNA position 22695, T replaced by C.
Molecular consequence: splice donor variant.
Genome position (GRCh38, 1-based): chr2:151,518,963, A>G on the plus strand (T>C on the coding strand, the complement: NEB is on the minus strand). VCF-style: chr2-151518963-A-G. GRCh37 (hg19) VCF-style: chr2-152375477-A-G.
Other names: NM_001164508.2:c.22695+2T>C; c.17592+2T>C (NM_004543.5); c.22695+2T>C (NM_001164507.2); c.22800+2T>C (NM_001271208.2).
Identifiers: ClinVar variation 3776964 (VCV003776964.1).
Genomic context (GRCh38, chr2:151,518,963, plus strand): 5'-AGAAAGAATTTAGTTCCAAATGGGTAAAACAAGCTGTTTCTGGAGCAAATGACTGAGCTT[A>G]CAGAACTGGCAAGTTGGCTTGTATTCAGGACATGATTCATGATCAGAGACTCCTTCATGT-3'

ClinVar aggregate classification (germline): Likely pathogenic (1 of 4 stars; one submission).

Conditions:
Nemaline myopathy. Also called: Myopathies, Nemaline. Identifiers: Orphanet 607, MedGen C0206157, MONDO:0018958.

Submission:

Broad Center for Mendelian Genomics, Broad Institute of MIT and Harvard
Classification: Likely pathogenic for Nemaline myopathy. Last evaluated: 2025-03-03. Review status: criteria provided, single submitter. Criteria: ACMG Guidelines, 2015. Collection method: curation. Allele origin: germline. Inheritance: Autosomal recessive inheritance.
Comment: The c.22695+2T>C variant in NEB has been reported in 1 individual with nemaline myopathy (PMID: 12207938), and has been identified in 0.0003% (4/1169352) of European (non-Finnish) chromosomes by the Genome Aggregation Database (gnomAD). Although this variant has been seen in the general population in a heterozygous state, its frequency is low enough to be consistent with a recessive carrier frequency. This variant is located in the 5' splice region. Computational tools predict a splicing impact, though this information is not predictive enough to determine pathogenicity. Loss of function of the NEB gene is an established disease mechanism in autosomal recessive nemaline myopathy. In summary, although additional studies are required to fully establish its clinical significance, this variant is likely pathogenic for autosomal recessive nemaline myopathy. ACMG/AMP Criteria applied: PVS1, PM2_supporting (Richards 2015).